The following is an entry in ClinVar:

NM_001164665.2(KIAA1549):c.1910C>T (p.Ser637Phe)

Gene: KIAA1549 (KIAA1549; minus strand). Cytogenetic location: 7q34.
Variant type: single nucleotide variant.
Coding change: c.1910C>T on transcript NM_001164665.2 (MANE Select); coding-DNA position 1910, C replaced by T.
Protein change: p.Ser637Phe; replaces serine 637 with phenylalanine.
Molecular consequence: missense variant.
Genome position (GRCh38, 1-based): chr7:138,917,716, G>A on the plus strand (C>T on the coding strand, the complement: KIAA1549 is on the minus strand). VCF-style: chr7-138917716-G-A. GRCh37 (hg19) VCF-style: chr7-138602462-G-A.
Other names: c.1910C>T, p.Ser637Phe (NM_020910.3); short protein forms S637F.
Identifiers: ClinVar variation 2867084 (VCV002867084.3), dbSNP rs2485557797, ClinGen allele CA369395990.

ClinVar aggregate classification (germline): Uncertain significance (1 of 4 stars; one submission).

Submission:

Labcorp Genetics (formerly Invitae), Labcorp
Classification: Uncertain significance. Last evaluated: 2023-05-22. Review status: criteria provided, single submitter. Criteria: Invitae Variant Classification Sherloc (09022015). Collection method: clinical testing. Allele origin: germline.
Comment: In summary, the available evidence is currently insufficient to determine the role of this variant in disease. Therefore, it has been classified as a Variant of Uncertain Significance. Algorithms developed to predict the effect of missense changes on protein structure and function output the following: SIFT: "Not Available"; PolyPhen-2: "Benign"; Align-GVGD: "Not Available". The phenylalanine amino acid residue is found in multiple mammalian species, which suggests that this missense change does not adversely affect protein function. This variant has not been reported in the literature in individuals affected with KIAA1549-related conditions. This variant is not present in population databases (gnomAD no frequency). This sequence change replaces serine, which is neutral and polar, with phenylalanine, which is neutral and non-polar, at codon 637 of the KIAA1549 protein (p.Ser637Phe).